The following is an entry in ClinVar:

NM_003873.7(NRP1):c.1995T>C (p.His665=)

Gene: NRP1 (neuropilin 1; minus strand). Cytogenetic location: 10p11.22.
Variant type: single nucleotide variant.
Coding change: c.1995T>C on transcript NM_003873.7 (MANE Select); coding-DNA position 1995, T replaced by C.
Protein change: p.His665=; no amino-acid change (histidine 665 retained).
Molecular consequence: synonymous variant. On other transcripts: non-coding transcript variant (1).
Genome position (GRCh38, 1-based): chr10:33,192,348, A>G on the plus strand (T>C on the coding strand, the complement: NRP1 is on the minus strand). VCF-style: chr10-33192348-A-G. GRCh37 (hg19) VCF-style: chr10-33481276-A-G.
Other names: c.1974T>C, p.His658= (NM_001244972.2, NM_001244973.2); c.1995T>C, p.His665= (NM_001330068.2).
Identifiers: ClinVar variation 3355495 (VCV003355495.1).

ClinVar aggregate classification (germline): Likely benign (0 of 4 stars; one submission).

Conditions:
NRP1-related disorder. Also called: NRP1-related condition.

gnomAD v4.1: 11 of 1,613,768 alleles (0.00068%); highest among the groups gnomAD compares: Admixed American, 0.005%; no homozygotes.

Submission:

PreventionGenetics, part of Exact Sciences
Classification: Likely benign for NRP1-related condition. Last evaluated: 2022-01-17. Review status: no assertion criteria provided. Collection method: clinical testing. Allele origin: germline.
Comment: This variant is classified as likely benign based on ACMG/AMP sequence variant interpretation guidelines (Richards et al. 2015 PMID: 25741868, with internal and published modifications).